The following is an entry in ClinVar:

ClinVar aggregate classification (germline): Conflicting classifications of pathogenicity. Review status: criteria provided, conflicting classifications (1 of 4 stars). 2 submissions from 2 submitters: Uncertain significance (1); Likely benign (1). Last evaluated 2023-11-17.

Allele frequency attached by ClinVar (database versions not stated): gnomAD 0.00001; gnomAD exomes 0.00002; ExAC 0.00008; 1000 Genomes Project 30x 0.00016; 1000 Genomes Project 0.00020.
gnomAD v4.1: 25 of 1,596,368 alleles (0.0016%); highest among the groups gnomAD compares: Non-Finnish European, 0.0015%; no homozygotes.

Submissions (2):

Labcorp Genetics (formerly Invitae), Labcorp
Classification: Uncertain significance. Last evaluated: 2023-11-17. Review status: criteria provided, single submitter. Criteria: Invitae Variant Classification Sherloc (09022015). Collection method: clinical testing. Allele origin: germline.
Comment: This sequence change replaces glycine, which is neutral and non-polar, with serine, which is neutral and polar, at codon 232 of the SEPT9 protein (p.Gly232Ser). The frequency data for this variant in the population databases is considered unreliable, as metrics indicate poor data quality at this position in the gnomAD database. This variant has not been reported in the literature in individuals affected with SEPT9-related conditions. Advanced modeling of protein sequence and biophysical properties (such as structural, functional, and spatial information, amino acid conservation, physicochemical variation, residue mobility, and thermodynamic stability) performed at Invitae indicates that this missense variant is not expected to disrupt SEPT9 protein function with a negative predictive value of 80%. In summary, the available evidence is currently insufficient to determine the role of this variant in disease. Therefore, it has been classified as a Variant of Uncertain Significance.

Blueprint Genetics
Classification: Likely benign. Last evaluated: 2023-11-02. Review status: criteria provided, single submitter. Criteria: ACMG Guidelines, 2015. Collection method: clinical testing. Allele origin: germline.

NM_001113491.2(SEPTIN9):c.748G>A (p.Gly250Ser)

Gene: SEPTIN9 (septin 9; plus strand). Cytogenetic location: 17q25.3.
Variant type: single nucleotide variant.
Coding change: c.748G>A on transcript NM_001113491.2 (MANE Select); coding-DNA position 748, G replaced by A.
Protein change: p.Gly250Ser; replaces glycine 250 with serine.
Molecular consequence: missense variant. On other transcripts: 5 prime UTR variant (4).
Genome position (GRCh38, 1-based): chr17:77,482,170, G>A. VCF-style: chr17-77482170-G-A. GRCh37 (hg19) VCF-style: chr17-75478252-G-A.
Other names: c.256G>A, p.Gly86Ser (NM_001113492.2, NM_001113494.1); c.727G>A, p.Gly243Ser (NM_001113493.2); c.-6G>A (NM_001113495.2, NM_001113496.2, NM_001293697.2 and 1 more transcripts); c.691G>A, p.Gly231Ser (NM_001293695.2); c.76G>A, p.Gly26Ser (NM_001293696.2); c.694G>A, p.Gly232Ser (NM_006640.5); short protein forms G231S, G26S, G232S, G243S, G250S, G86S.
Identifiers: ClinVar variation 2959921 (VCV002959921.4), dbSNP rs568388045, ClinGen allele CA8793516.
Genomic context (GRCh38, chr17:77,482,170, plus strand): 5'-TTCCGCTCTAACTCCTCTGCTGTTCCTTCCCCAGCCACTGAGGCGGCTCCCAGCTGCGTT[G>A]GCGACATGGCCGACACCCCCAGAGATGCCGGGCTCAAGCAGGCGCCTGCATCACGGAACG-3'
Protein context (NP_001106963.1, residues 240-260): EATEAAPSCV[Gly250Ser]DMADTPRDAG